The following is an entry in ClinVar:

NM_001267550.2(TTN):c.30725C>T (p.Ala10242Val)

Gene: TTN (titin; minus strand). Cytogenetic location: 2q31.2.
Variant type: single nucleotide variant.
Coding change: c.30725C>T on transcript NM_001267550.2 (MANE Select); coding-DNA position 30725, C replaced by T.
Protein change: p.Ala10242Val; replaces alanine 10242 with valine.
Molecular consequence: missense variant. On other transcripts: intron variant (3).
Genome position (GRCh38, 1-based): chr2:178,698,872, G>A on the plus strand (C>T on the coding strand, the complement: TTN is on the minus strand). VCF-style: chr2-178698872-G-A. GRCh37 (hg19) VCF-style: chr2-179563599-G-A.
Other names: c.29774C>T, p.Ala9925Val (NM_001256850.1); c.13282+39210C>T (NM_003319.4); c.13858+39210C>T (NM_133437.4); c.13657+39210C>T (NM_133432.3); c.26993C>T, p.Ala8998Val (NM_133378.4); short protein forms A10242V, A8998V, A9925V.
Identifiers: ClinVar variation 46842 (VCV000046842.5), dbSNP rs397517534, ClinGen allele CA139334.

ClinVar aggregate classification (germline): Uncertain significance (1 of 4 stars; one submission).

Allele frequency attached by ClinVar (database versions not stated): gnomAD 0.00001.

Submission:

Laboratory for Molecular Medicine, Mass General Brigham Personalized Medicine
Classification: Uncertain significance. Last evaluated: 2012-07-18. Review status: criteria provided, single submitter. Criteria: LMM Criteria. Collection method: clinical testing. Allele origin: germline. Observed: 1 variant allele.
Comment: Variant classified as Uncertain Significance - Favor Benign. The Ala8998Val vari ant in TTN has not been reported in the literature nor previously identified by our laboratory. Computational analyses (biochemical amino acid properties, conse rvation, AlignGVGD, PolyPhen2, and SIFT) suggest that the Ala8998Val variant may not impact the protein, though this information is not predictive enough to rul e out pathogenicity. Although this data supports that the Ala8998Val variant may be benign, additional studies are needed to fully assess its clinical significa nce.